The following is an entry in ClinVar:

NM_002691.4(POLD1):c.3319T>C (p.Trp1107Arg)

Gene: POLD1 (DNA polymerase delta 1, catalytic subunit; plus strand). Cytogenetic location: 19q13.33.
Variant type: single nucleotide variant.
Coding change: c.3319T>C on transcript NM_002691.4 (MANE Select); coding-DNA position 3319, T replaced by C.
Protein change: p.Trp1107Arg; replaces tryptophan 1107 with arginine.
Molecular consequence: missense variant. On other transcripts: non-coding transcript variant (1).
Genome position (GRCh38, 1-based): chr19:50,417,942, T>C. VCF-style: chr19-50417942-T-C. GRCh37 (hg19) VCF-style: chr19-50921199-T-C.
Other names: c.3319T>C, p.Trp1107Arg (NM_001256849.1); c.3397T>C, p.Trp1133Arg (NM_001308632.1); short protein forms W1107R, W1133R.
Identifiers: ClinVar variation 3663879 (VCV003663879.2).

ClinVar aggregate classification (germline): Uncertain significance (1 of 4 stars; one submission).

Conditions:
POLD1-related polyposis and colorectal cancer syndrome (CRCS10). Also called: Colorectal cancer 10; COLORECTAL CANCER, SUSCEPTIBILITY TO, ON CHROMOSOME 19q; Colorectal cancer, susceptibility to, 10. Identifiers: Orphanet 220460, MedGen C2675481, MONDO:0012953, OMIM 612591.

Submission:

Labcorp Genetics (formerly Invitae), Labcorp
Classification: Uncertain significance for POLD1-related polyposis and colorectal cancer syndrome. Last evaluated: 2024-08-29. Review status: criteria provided, single submitter. Criteria: Invitae Variant Classification Sherloc (09022015). Collection method: clinical testing. Allele origin: germline.
Comment: This sequence change replaces tryptophan, which is neutral and slightly polar, with arginine, which is basic and polar, at codon 1107 of the POLD1 protein (p.Trp1107Arg). This variant is not present in population databases (gnomAD no frequency). This variant has not been reported in the literature in individuals affected with POLD1-related conditions. An algorithm developed to predict the effect of missense changes on protein structure and function (PolyPhen-2) suggests that this variant is likely to be disruptive. In summary, the available evidence is currently insufficient to determine the role of this variant in disease. Therefore, it has been classified as a Variant of Uncertain Significance.